The following is an entry in ClinVar:

NM_017780.4(CHD7):c.2759G>A (p.Arg920Gln)

Gene: CHD7 (chromodomain helicase DNA binding protein 7; plus strand). Cytogenetic location: 8q12.2.
Variant type: single nucleotide variant.
Coding change: c.2759G>A on transcript NM_017780.4 (MANE Select); coding-DNA position 2759, G replaced by A.
Protein change: p.Arg920Gln; replaces arginine 920 with glutamine.
Molecular consequence: missense variant. On other transcripts: intron variant (1).
Genome position (GRCh38, 1-based): chr8:60,821,851, G>A. VCF-style: chr8-60821851-G-A. GRCh37 (hg19) VCF-style: chr8-61734410-G-A.
Other names: c.1717-40378G>A (NM_001316690.1); c.2759G>A (NM_017780.3, NM_017780.2); short protein forms R920Q.
Identifiers: ClinVar variation 1045998 (VCV001045998.8), dbSNP rs1014640333, ClinGen allele CA177334141.

ClinVar aggregate classification (germline): Uncertain significance. Review status: criteria provided, multiple submitters, no conflicts (2 of 4 stars). 4 submissions from 4 submitters: Uncertain significance (4). Last evaluated 2026-01-28.

Conditions:
CHARGE syndrome (CHARGE). Also called: Hittner Hirsch Kreh syndrome; Coloboma, heart anomaly, choanal atresia, retardation, genital and ear anomalies; CHARGE association; Hall-Hittner syndrome; CHARGE ASSOCIATION--COLOBOMA, HEART ANOMALY, CHOANAL ATRESIA, RETARDATION, GENITAL AND EAR ANOMALIES. Identifiers: Orphanet 138, MedGen C0265354, MONDO:0008965.
Inborn genetic diseases. Identifiers: MedGen C0950123, MeSH D030342.
Hypogonadotropic hypogonadism 5 with or without anosmia (KAL5). Also called: HYPOGONADOTROPIC HYPOGONADISM 5 WITH ANOSMIA; HYPOGONADOTROPHIC HYPOGONADISM 5 WITHOUT ANOSMIA; CHD7-Related GnRH Deficiency (Kallmann Syndrome 5). Identifiers: Orphanet 478, MedGen C3552553, MONDO:0012880, OMIM 612370. Disease mechanism: loss of function.

Allele frequency attached by ClinVar (database versions not stated): gnomAD 0.00001; TOPMed 0.00002.
gnomAD v4.1: 12 of 1,597,378 alleles (0.00075%); highest among the groups gnomAD compares: Middle Eastern, 0.033%; 1 homozygote.

Submissions (4):

Labcorp Genetics (formerly Invitae), Labcorp
Classification: Uncertain significance for CHARGE syndrome. Last evaluated: 2026-01-28. Review status: criteria provided, single submitter. Criteria: Invitae Variant Classification Sherloc (09022015). Collection method: clinical testing. Allele origin: germline.
Comment: This sequence change replaces arginine, which is basic and polar, with glutamine, which is neutral and polar, at codon 920 of the CHD7 protein (p.Arg920Gln). The frequency data for this variant in the population databases is considered unreliable, as metrics indicate poor data quality at this position in the gnomAD database. This variant has not been reported in the literature in individuals affected with CHD7-related conditions. ClinVar contains an entry for this variant (Variation ID: 1045998). Invitae Evidence Modeling of protein sequence and biophysical properties (such as structural, functional, and spatial information, amino acid conservation, physicochemical variation, residue mobility, and thermodynamic stability) indicates that this missense variant is not expected to disrupt CHD7 protein function with a negative predictive value of 95%. In summary, the available evidence is currently insufficient to determine the role of this variant in disease. Therefore, it has been classified as a Variant of Uncertain Significance.

Ambry Genetics
Classification: Uncertain significance for Inborn genetic diseases. Last evaluated: 2024-02-27. Review status: criteria provided, single submitter. Criteria: Ambry Variant Classification Scheme 2023. Collection method: clinical testing. Allele origin: germline.

Fulgent Genetics
Classification: Uncertain significance for CHD7-related CHARGE syndrome; Hypogonadotropic hypogonadism 5 with or without anosmia. Last evaluated: 2024-01-22. Review status: criteria provided, single submitter. Criteria: ACMG Guidelines, 2015. Collection method: clinical testing. Allele origin: germline.

GeneDx
Classification: Uncertain significance. Last evaluated: 2023-08-10. Review status: criteria provided, single submitter. Criteria: GeneDx Variant Classification Process June 2021. Collection method: clinical testing. Allele origin: germline. Affected: yes.
Comment: In silico analysis supports that this missense variant does not alter protein structure/function; Has not been previously published as pathogenic or benign to our knowledge